The following is an entry in ClinVar:

NM_015192.4(PLCB1):c.3336G>A (p.Arg1112=)

Gene: PLCB1 (phospholipase C beta 1; plus strand). Cytogenetic location: 20p12.3.
Variant type: single nucleotide variant.
Coding change: c.3336G>A on transcript NM_015192.4 (MANE Select); coding-DNA position 3336, G replaced by A.
Protein change: p.Arg1112=; no amino-acid change (arginine 1112 retained).
Molecular consequence: synonymous variant.
Genome position (GRCh38, 1-based): chr20:8,789,575, G>A. VCF-style: chr20-8789575-G-A. GRCh37 (hg19) VCF-style: chr20-8770222-G-A.
Other names: c.3336G>A, p.Arg1112= (NM_182734.3).
Identifiers: ClinVar variation 586322 (VCV000586322.9), dbSNP rs771734537, ClinGen allele CA9760518.
Genomic context (GRCh38, chr20:8,789,575, plus strand): 5'-TAGGGAGAAGACAGAGATGATCCGGTCATATATCCAGGAAGTGGTGCAGTATATCAAGAG[G>A]GTATGTGGGCTCATCACGCTCTCTCCTTTGCAAAACATGTGTGAACATTTGGTGAGCTCG-3'
Protein context (NP_056007.1, residues 1102-1122): YIQEVVQYIK[Arg1112=]LEEAQSKRQE

ClinVar aggregate classification (germline): Uncertain significance. Review status: criteria provided, multiple submitters, no conflicts (2 of 4 stars). 2 submissions from 2 submitters: Uncertain significance (2). Last evaluated 2022-08-15.

Conditions:
Developmental and epileptic encephalopathy, 12 (DEE12). Identifiers: MedGen C3150988, MONDO:0013389, OMIM 613722.

Allele frequency attached by ClinVar (database versions not stated): gnomAD exomes below 0.00001 and 0.00001; ExAC 0.00001.
gnomAD v4.1: 3 of 1,605,758 alleles (0.00019%); highest among the groups gnomAD compares: African/African-American, 0.0013%; no homozygotes.

Submissions (2):

Labcorp Genetics (formerly Invitae), Labcorp
Classification: Uncertain significance for Developmental and epileptic encephalopathy, 12. Last evaluated: 2022-08-15. Review status: criteria provided, single submitter. Criteria: Invitae Variant Classification Sherloc (09022015). Collection method: clinical testing. Allele origin: germline.
Comment: Variants that disrupt the consensus splice site are a relatively common cause of aberrant splicing (PMID: 17576681, 9536098). Algorithms developed to predict the effect of sequence changes on RNA splicing suggest that this variant may disrupt the consensus splice site. This sequence change affects codon 1112 of the PLCB1 mRNA. It is a 'silent' change, meaning that it does not change the encoded amino acid sequence of the PLCB1 protein. This variant also falls at the last nucleotide of exon 30, which is part of the consensus splice site for this exon. This variant is present in population databases (rs771734537, gnomAD 0.01%). This variant has not been reported in the literature in individuals affected with PLCB1-related conditions. ClinVar contains an entry for this variant (Variation ID: 586322). In summary, the available evidence is currently insufficient to determine the role of this variant in disease. Therefore, it has been classified as a Variant of Uncertain Significance.

Athena Diagnostics
Classification: Uncertain significance. Last evaluated: 2018-02-16. Review status: criteria provided, single submitter. Criteria: Athena Diagnostics Criteria. Collection method: clinical testing. Allele origin: germline.

Literature cited by the submitters: PubMed 17576681 (cited by Labcorp Genetics (formerly Invitae), Labcorp); PubMed 9536098 (cited by Labcorp Genetics (formerly Invitae), Labcorp).